The following is an entry in ClinVar:

ClinVar aggregate classification (germline): Conflicting classifications of pathogenicity. Review status: criteria provided, conflicting classifications (1 of 4 stars). 4 submissions from 4 submitters: Uncertain significance (1); Likely benign (3). Last evaluated 2026-05-22.

Conditions:
PLEC-related disorder. Also called: PLEC-related disorders; PLEC-related condition.
Epidermolysis bullosa simplex with nail dystrophy (EBS5D). Identifiers: MedGen C4225309, MONDO:0014661, OMIM 616487.
Epidermolysis bullosa simplex 5B, with muscular dystrophy (EBS5B). Also called: Epidermolysis bullosa simplex with muscular dystrophy; EPIDERMOLYSIS BULLOSA SIMPLEX AND LIMB-GIRDLE MUSCULAR DYSTROPHY. Identifiers: Orphanet 257, MedGen C2931072, MONDO:0009181, OMIM 226670.
Autosomal recessive limb-girdle muscular dystrophy type 2Q (LGMDR17). Also called: MUSCULAR DYSTROPHY, LIMB-GIRDLE, AUTOSOMAL RECESSIVE 17. Identifiers: Orphanet 254361, MedGen C3150989, MONDO:0013390, OMIM 613723.
Epidermolysis bullosa simplex 5C, with pyloric atresia (EBS5C). Also called: PLEC-Related Epidermolysis Bullosa with Pyloric Atresia; Epidermolysis bullosa simplex with pyloric atresia; PLEC1-Related Epidermolysis Bullosa with Pyloric Atresia. Identifiers: Orphanet 158684, MedGen C2677349, MONDO:0012807, OMIM 612138.
Epidermolysis bullosa simplex, Ogna type (EBS5A). Also called: Pidermolysis bullosa simplex 5A, Ogna type; EPIDERMOLYSIS BULLOSA SIMPLEX 5A, OGNA TYPE. Identifiers: Orphanet 79401, MedGen C0432317, MONDO:0007555, OMIM 131950.

Allele frequency attached by ClinVar (database versions not stated): TOPMed 0.00008; gnomAD 0.00009 and 0.00010; 1000 Genomes Project 0.00020; 1000 Genomes Project 30x 0.00031; ExAC 0.00002; gnomAD exomes 0.00007.
gnomAD v4.1: 114 of 1,600,108 alleles (0.0071%); highest among the groups gnomAD compares: Admixed American, 0.04%; no homozygotes.

Submissions (4):

PreventionGenetics, part of Exact Sciences
Classification: Likely benign for PLEC-related condition. Last evaluated: 2026-05-22. Review status: criteria provided, single submitter. Criteria: ACMG Guidelines, 2015. Collection method: clinical testing. Allele origin: germline.
Comment: This variant is classified as likely benign based on ACMG/AMP sequence variant interpretation guidelines (Richards et al. 2015 PMID: 25741868, with internal and published modifications).

Labcorp Genetics (formerly Invitae), Labcorp
Classification: Likely benign for Autosomal recessive limb-girdle muscular dystrophy type 2Q; Epidermolysis bullosa simplex, Ogna type; Epidermolysis bullosa simplex with nail dystrophy; Epidermolysis bullosa simplex 5C, with pyloric atresia; Epidermolysis bullosa simplex 5B, with muscular dystrophy. Last evaluated: 2026-01-06. Review status: criteria provided, single submitter. Criteria: Invitae Variant Classification Sherloc (09022015). Collection method: clinical testing. Allele origin: germline.

Revvity Omics, Revvity
Classification: Uncertain significance. Last evaluated: 2023-03-20. Review status: criteria provided, single submitter. Criteria: ACMG Guidelines, 2015. Collection method: clinical testing. Allele origin: germline.

Athena Diagnostics
Classification: Likely benign. Last evaluated: 2020-06-05. Review status: criteria provided, single submitter. Criteria: Athena Diagnostics Criteria. Collection method: clinical testing. Allele origin: unknown.

NM_201384.3(PLEC):c.9576C>T (p.Tyr3192=)

Gene: PLEC (plectin; minus strand). Cytogenetic location: 8q24.3.
Variant type: single nucleotide variant.
Coding change: c.9576C>T on transcript NM_201384.3 (MANE Select); coding-DNA position 9576, C replaced by T.
Protein change: p.Tyr3192=; no amino-acid change (tyrosine 3192 retained).
Molecular consequence: synonymous variant.
Genome position (GRCh38, 1-based): chr8:143,920,245, G>A on the plus strand (C>T on the coding strand, the complement: PLEC is on the minus strand). VCF-style: chr8-143920245-G-A. GRCh37 (hg19) VCF-style: chr8-144994413-G-A.
Other names: c.9657C>T, p.Tyr3219= (NM_000445.5); c.9534C>T, p.Tyr3178= (NM_201378.4); c.9510C>T, p.Tyr3170= (NM_201379.3); c.9987C>T, p.Tyr3329= (NM_201380.4); c.9480C>T, p.Tyr3160= (NM_201381.3); c.9576C>T, p.Tyr3192= (NM_201382.4); c.9588C>T, p.Tyr3196= (NM_201383.3).
Identifiers: ClinVar variation 704264 (VCV000704264.15), dbSNP rs201460864, ClinGen allele CA4924927.